The following is an entry in ClinVar:

NM_005876.5(SPEG):c.8270G>T (p.Gly2757Val)

Genes: ASIC4-AS1 (ASIC4 antisense RNA 1; minus strand), SPEG (striated muscle enriched protein kinase; plus strand). Cytogenetic location: 2q35.
Variant type: single nucleotide variant.
Coding change: c.8270G>T on transcript NM_005876.5 (MANE Select); coding-DNA position 8270, G replaced by T.
Protein change: p.Gly2757Val; replaces glycine 2757 with valine.
Molecular consequence: missense variant.
Genome position (GRCh38, 1-based): chr2:219,489,174, G>T. VCF-style: chr2-219489174-G-T. GRCh37 (hg19) VCF-style: chr2-220353896-G-T.
Other names: short protein forms G2757V.
Identifiers: ClinVar variation 144081 (VCV000144081.5), dbSNP rs587777676, ClinGen allele CA170646.

ClinVar aggregate classification (germline): Uncertain significance. Review status: criteria provided, single submitter (1 of 4 stars). 2 submissions from 2 submitters: Uncertain significance (1). 1 of the submissions does not count toward it. Last evaluated 2022-06-15.

Conditions:
Myopathy, centronuclear, 5 (CNM5). Identifiers: Orphanet 169186, MedGen C4014814, MONDO:0014418, OMIM 615959.

Submissions (2):

Labcorp Genetics (formerly Invitae), Labcorp
Classification: Uncertain significance. Last evaluated: 2022-06-15. Review status: criteria provided, single submitter. Criteria: Invitae Variant Classification Sherloc (09022015). Collection method: clinical testing. Allele origin: germline.
Comment: This sequence change replaces glycine, which is neutral and non-polar, with valine, which is neutral and non-polar, at codon 2757 of the SPEG protein (p.Gly2757Val). This variant is not present in population databases (gnomAD no frequency). In summary, the available evidence is currently insufficient to determine the role of this variant in disease. Therefore, it has been classified as a Variant of Uncertain Significance. Algorithms developed to predict the effect of missense changes on protein structure and function are either unavailable or do not agree on the potential impact of this missense change (SIFT: "Deleterious"; PolyPhen-2: "Probably Damaging"; Align-GVGD: "Class C0"). ClinVar contains an entry for this variant (Variation ID: 144081). This missense change has been observed in individual(s) with clinical features of SPEG-related conditions (PMID: 25087613). In at least one individual the data is consistent with being in trans (on the opposite chromosome) from a pathogenic variant.

OMIM
Classification: Pathogenic for CENTRONUCLEAR MYOPATHY 5. Last evaluated: 2014-08-07. Review status: no assertion criteria provided. Collection method: literature only. Allele origin: germline. Not counted in ClinVar's aggregate classification.

Literature cited by the submitters: PubMed 25087613 (cited by Labcorp Genetics (formerly Invitae), Labcorp and OMIM).